The following is an entry in ClinVar:

ClinVar aggregate classification (germline): not provided (0 of 4 stars; one submission).

Conditions:
Familial long QT syndrome (RWS). Also called: Congenital long QT syndrome; Romano-Ward syndrome; VENTRICULAR FIBRILLATION WITH PROLONGED QT INTERVAL. Identifiers: Orphanet 768, MedGen C1141890, MONDO:0019171.

Submission:

Cardiovascular Biomedical Research Unit, Royal Brompton & Harefield NHS Foundation Trust
No classification provided. Condition: Familial long QT syndrome. Review status: no classification provided. Collection method: literature only. Allele origin: germline.
Comment: This variant has been reported in the following publications (PMID:19931173).

Literature cited by the submitters: PubMed 19931173; PubMed 22581653.

NM_000891.3(KCNJ2):c.437G>C (p.Gly146Ala)

Gene: KCNJ2 (potassium inwardly rectifying channel subfamily J member 2; plus strand). Cytogenetic location: 17q24.3.
Variant type: single nucleotide variant.
Coding change: c.437G>C on transcript NM_000891.3 (MANE Select); coding-DNA position 437, G replaced by C.
Protein change: p.Gly146Ala; replaces glycine 146 with alanine.
Molecular consequence: missense variant.
Genome position (GRCh38, 1-based): chr17:70,175,476, G>C. VCF-style: chr17-70175476-G-C. GRCh37 (hg19) VCF-style: chr17-68171617-G-C.
Other names: c.437G>C (LRG_328t1); short protein forms G146A.
Identifiers: ClinVar variation 67578 (VCV000067578.1), dbSNP rs199473379, ClinGen allele CA329681.